The following is an entry in ClinVar:

ClinVar aggregate classification (germline): Uncertain significance. Review status: criteria provided, multiple submitters, no conflicts (2 of 4 stars). 2 submissions from 2 submitters: Uncertain significance (2). Last evaluated 2024-04-19.

Allele frequency attached by ClinVar (database versions not stated): ExAC 0.00006; TOPMed 0.00008; gnomAD 0.00013; ESP Exome Variant Server 0.00015; 1000 Genomes Project 30x 0.00016; 1000 Genomes Project 0.00020.
gnomAD v4.1: 151 of 1,614,064 alleles (0.0094%); highest among the groups gnomAD compares: Middle Eastern, 0.46%; 1 homozygote.

Submissions (2):

Labcorp Genetics (formerly Invitae), Labcorp
Classification: Uncertain significance. Last evaluated: 2024-04-19. Review status: criteria provided, single submitter. Criteria: Invitae Variant Classification Sherloc (09022015). Collection method: clinical testing. Allele origin: germline.
Comment: This sequence change replaces proline, which is neutral and non-polar, with serine, which is neutral and polar, at codon 774 of the AGAP1 protein (p.Pro774Ser). This variant is present in population databases (rs140144664, gnomAD 0.02%). This variant has not been reported in the literature in individuals affected with AGAP1-related conditions. An algorithm developed to predict the effect of missense changes on protein structure and function (PolyPhen-2) suggests that this variant is likely to be disruptive. In summary, the available evidence is currently insufficient to determine the role of this variant in disease. Therefore, it has been classified as a Variant of Uncertain Significance.

Ambry Genetics
Classification: Uncertain significance. Last evaluated: 2021-08-13. Review status: criteria provided, single submitter. Criteria: Ambry Variant Classification Scheme 2023. Collection method: clinical testing. Allele origin: germline.

NM_001037131.3(AGAP1):c.2479C>T (p.Pro827Ser)

Gene: AGAP1 (ArfGAP with GTPase domain, ankyrin repeat and PH domain 1; plus strand). Cytogenetic location: 2q37.2.
Variant type: single nucleotide variant.
Coding change: c.2479C>T on transcript NM_001037131.3 (MANE Select); coding-DNA position 2479, C replaced by T.
Protein change: p.Pro827Ser; replaces proline 827 with serine.
Molecular consequence: missense variant.
Genome position (GRCh38, 1-based): chr2:236,124,027, C>T. VCF-style: chr2-236124027-C-T. GRCh37 (hg19) VCF-style: chr2-237032671-C-T.
Other names: c.2320C>T, p.Pro774Ser (NM_014914.5); c.2479C>T (NM_001037131.2); short protein forms P774S, P827S.
Identifiers: ClinVar variation 2886000 (VCV002886000.4), dbSNP rs140144664, ClinGen allele CA2185301.